The following is an entry in ClinVar:

NM_001098671.2(RASGRP2):c.1040T>C (p.Val347Ala)

Gene: RASGRP2 (RAS guanyl releasing protein 2; minus strand). Cytogenetic location: 11q13.1.
Variant type: single nucleotide variant.
Coding change: c.1040T>C on transcript NM_001098671.2 (MANE Select); coding-DNA position 1040, T replaced by C.
Protein change: p.Val347Ala; replaces valine 347 with alanine.
Molecular consequence: missense variant.
Genome position (GRCh38, 1-based): chr11:64,736,808, A>G on the plus strand (T>C on the coding strand, the complement: RASGRP2 is on the minus strand). VCF-style: chr11-64736808-A-G. GRCh37 (hg19) VCF-style: chr11-64504280-A-G.
Other names: c.1040T>C, p.Val347Ala (NM_001098670.2, NM_001440690.1, NM_001440691.1 and 9 more transcripts); c.605T>C, p.Val202Ala (NM_001318398.2); c.1037T>C, p.Val346Ala (NM_001440700.1, NM_001440701.1, NM_001440702.1); c.1127T>C, p.Val376Ala (NM_001440703.1, NM_001440704.1); c.1124T>C, p.Val375Ala (NM_001440705.1); short protein forms V202A, V346A, V347A, V375A, V376A.
Identifiers: ClinVar variation 4540149 (VCV004540149.1).

ClinVar aggregate classification (germline): Uncertain significance (1 of 4 stars; one submission).

Submission:

GeneDx
Classification: Uncertain significance. Last evaluated: 2025-06-23. Review status: criteria provided, single submitter. Criteria: GeneDx Variant Classification Process June 2021. Collection method: clinical testing. Allele origin: germline. Affected: yes.
Comment: In silico analysis suggests that this missense variant does not alter protein structure/function; Has not been previously published as pathogenic or benign to our knowledge